The following is an entry in ClinVar:

NM_001267550.2(TTN):c.16205G>C (p.Arg5402Thr)

Gene: TTN (titin; minus strand). Cytogenetic location: 2q31.2.
Variant type: single nucleotide variant.
Coding change: c.16205G>C on transcript NM_001267550.2 (MANE Select); coding-DNA position 16205, G replaced by C.
Protein change: p.Arg5402Thr; replaces arginine 5402 with threonine.
Molecular consequence: missense variant. On other transcripts: intron variant (3).
Genome position (GRCh38, 1-based): chr2:178,732,971, C>G on the plus strand (G>C on the coding strand, the complement: TTN is on the minus strand). VCF-style: chr2-178732971-C-G. GRCh37 (hg19) VCF-style: chr2-179597698-C-G.
Other names: c.15254G>C, p.Arg5085Thr (NM_001256850.1); c.12473G>C, p.Arg4158Thr (NM_133378.4); c.13282+5111G>C (NM_003319.4); c.13858+5111G>C (NM_133437.4); c.13657+5111G>C (NM_133432.3); short protein forms R5402T, R4158T, R5085T.
Identifiers: ClinVar variation 282495 (VCV000282495.6), dbSNP rs886042411, ClinGen allele CA10604199.

ClinVar aggregate classification (germline): Uncertain significance. Review status: criteria provided, multiple submitters, no conflicts (2 of 4 stars). 2 submissions from 2 submitters: Uncertain significance (2). Last evaluated 2026-03-05.

Conditions:
TTN-related disorder. Also called: TTN-related condition; TTN-related disease; TTN-related disorders.

Allele frequency attached by ClinVar (database versions not stated): gnomAD exomes below 0.00001 and 0.00001; TOPMed 0.00001; gnomAD 0.00002.
gnomAD v4.1: 12 of 1,613,508 alleles (0.00074%); highest among the groups gnomAD compares: African/African-American, 0.0013%; no homozygotes.

Submissions (2):

PreventionGenetics, part of Exact Sciences
Classification: Uncertain significance for TTN-related condition. Last evaluated: 2026-03-05. Review status: criteria provided, single submitter. Criteria: ACMG Guidelines, 2015. Collection method: clinical testing. Allele origin: germline.
Comment: The TTN c.16205G>C variant is predicted to result in the amino acid substitution p.Arg5402Thr. To our knowledge, this variant has not been reported in the literature. This variant is reported in 0.00089% of alleles in individuals of European (Non-Finnish) descent in gnomAD. At this time, the clinical significance of this variant is uncertain due to the absence of conclusive functional and genetic evidence.

Eurofins Ntd Llc (ga)
Classification: Uncertain significance. Last evaluated: 2015-09-09. Review status: criteria provided, single submitter. Criteria: EGL Classification Definitions 2015. Collection method: clinical testing. Allele origin: germline. Observed: 1 variant allele, 1 heterozygote.